The following is an entry in ClinVar:

NM_016492.5(RANGRF):c.77+19C>G

Genes: RANGRF (RAN guanine nucleotide release factor; plus strand), SLC25A35 (solute carrier family 25 member 35; minus strand). Cytogenetic location: 17p13.1.
Variant type: single nucleotide variant.
Coding change: c.77+19C>G on transcript NM_016492.5 (MANE Select); 19 bases into the intron after coding-DNA position 77, C replaced by G.
Molecular consequence: intron variant. On other transcripts: 3 prime UTR variant (2), non-coding transcript variant (2).
Genome position (GRCh38, 1-based): chr17:8,288,884, C>G. VCF-style: chr17-8288884-C-G. GRCh37 (hg19) VCF-style: chr17-8192202-C-G.
Other names: c.*599G>C (NM_001320872.2); c.*732G>C (NM_201520.3); c.*43-452G>C (NM_001320871.2); c.77+19C>G (NM_001177802.2, NM_001177801.2, NM_001330127.2).
Identifiers: ClinVar variation 379871 (VCV000379871.10), dbSNP rs370316330, ClinGen allele CA8374301.

ClinVar aggregate classification (germline): Benign. Review status: criteria provided, multiple submitters, no conflicts (2 of 4 stars). 3 submissions from 3 submitters: Benign (3). Last evaluated 2026-01-05.

Conditions:
Cardiac arrhythmia. Also called: Cardiac rhythm disease; Arrhythmia. Identifiers: MedGen C0003811, MONDO:0007263, HP:0011675.

Allele frequency attached by ClinVar (database versions not stated): 1000 Genomes Project 30x 0.00172; TOPMed 0.00042; gnomAD 0.00060 and 0.00027; ExAC 0.00164; ESP Exome Variant Server 0.00038; 1000 Genomes Project 0.00180; gnomAD exomes 0.00092 and 0.00146.
gnomAD v4.1: 1,451 of 1,614,148 alleles (0.09%); highest among the groups gnomAD compares: South Asian, 0.98%; 17 homozygotes.

Submissions (3):

Labcorp Genetics (formerly Invitae), Labcorp
Classification: Benign for Cardiac arrhythmia. Last evaluated: 2026-01-05. Review status: criteria provided, single submitter. Criteria: Invitae Variant Classification Sherloc (09022015). Collection method: clinical testing. Allele origin: germline.

GeneDx
Classification: Benign. Last evaluated: 2015-08-31. Review status: criteria provided, single submitter. Criteria: GeneDx Variant Classification (06012015). Collection method: clinical testing. Allele origin: germline. Affected: yes.
Comment: This variant is considered likely benign or benign based on one or more of the following criteria: it is a conservative change, it occurs at a poorly conserved position in the protein, it is predicted to be benign by multiple in silico algorithms, and/or has population frequency not consistent with disease.

Breakthrough Genomics
Classification: Benign. Review status: criteria provided, single submitter. Criteria: ACMG Guidelines, 2015. Collection method: not provided. Allele origin: germline. Inheritance: Unknown mechanism. Affected: yes.